The following is an entry in ClinVar:

NM_153676.4(USH1C):c.956T>G (p.Met319Arg)

Gene: USH1C (USH1 protein network component harmonin; minus strand). Cytogenetic location: 11p15.1.
Variant type: single nucleotide variant.
Coding change: c.956T>G on transcript NM_153676.4 (MANE Select); coding-DNA position 956, T replaced by G.
Protein change: p.Met319Arg; replaces methionine 319 with arginine.
Molecular consequence: missense variant. On other transcripts: non-coding transcript variant (1).
Genome position (GRCh38, 1-based): chr11:17,522,847, A>C on the plus strand (T>G on the coding strand, the complement: USH1C is on the minus strand). VCF-style: chr11-17522847-A-C. GRCh37 (hg19) VCF-style: chr11-17544394-A-C.
Other names: c.899T>G, p.Met300Arg (NM_001297764.2); c.956T>G, p.Met319Arg (NM_005709.4); short protein forms M300R, M319R.
Identifiers: ClinVar variation 2415581 (VCV002415581.3), dbSNP rs775894565, ClinGen allele CA5904777.

ClinVar aggregate classification (germline): Uncertain significance (1 of 4 stars; one submission).

Allele frequency attached by ClinVar (database versions not stated): ExAC 0.00001; TOPMed 0.00001.
gnomAD v4.1: 8 of 1,613,386 alleles (0.0005%); highest among the groups gnomAD compares: South Asian, 0.0011%; no homozygotes.

Submission:

Labcorp Genetics (formerly Invitae), Labcorp
Classification: Uncertain significance. Last evaluated: 2022-02-23. Review status: criteria provided, single submitter. Criteria: Invitae Variant Classification Sherloc (09022015). Collection method: clinical testing. Allele origin: germline.
Comment: This sequence change replaces methionine, which is neutral and non-polar, with arginine, which is basic and polar, at codon 319 of the USH1C protein (p.Met319Arg). This variant is present in population databases (rs775894565, gnomAD 0.003%). This variant has not been reported in the literature in individuals affected with USH1C-related conditions. Algorithms developed to predict the effect of missense changes on protein structure and function (SIFT, PolyPhen-2, Align-GVGD) all suggest that this variant is likely to be tolerated. In summary, the available evidence is currently insufficient to determine the role of this variant in disease. Therefore, it has been classified as a Variant of Uncertain Significance.